The following is an entry in ClinVar:

NM_139027.6(ADAMTS13):c.330C>T (p.Ile110=)

Gene: ADAMTS13 (ADAM metallopeptidase with thrombospondin type 1 motif 13; plus strand). Cytogenetic location: 9q34.2.
Variant type: single nucleotide variant.
Coding change: c.330C>T on transcript NM_139027.6 (MANE Select); coding-DNA position 330, C replaced by T.
Protein change: p.Ile110=; no amino-acid change (isoleucine 110 retained).
Molecular consequence: synonymous variant. On other transcripts: non-coding transcript variant (1).
Genome position (GRCh38, 1-based): chr9:133,424,478, C>T. VCF-style: chr9-133424478-C-T. GRCh37 (hg19) VCF-style: chr9-136289598-C-T.
Other names: c.330C>T, p.Ile110= (NM_139025.5, NM_139026.6).
Identifiers: ClinVar variation 1468608 (VCV001468608.5), dbSNP rs142107133, ClinGen allele CA200880305.
Genomic context (GRCh38, chr9:133,424,478, plus strand): 5'-CGATGTCTTCCAGGCTCACCAGGAGGACACAGAGCGCTATGTGCTCACCAACCTCAACAT[C>T]GTGAGTGCCCCACGCTGGACTGTGCAGGTCCCCACGGCCAGGGCTGGTGACCAATGTCTG-3'
Protein context (NP_620596.2, residues 100-120): TERYVLTNLN[Ile110=]GAELLRDPSL

ClinVar aggregate classification (germline): Conflicting classifications of pathogenicity. Review status: criteria provided, conflicting classifications (1 of 4 stars). 2 submissions from 2 submitters: Uncertain significance (1); Likely benign (1). Last evaluated 2026-01-05.

Allele frequency attached by ClinVar (database versions not stated): gnomAD exomes 0.00005 and 0.00010; gnomAD 0.00008 and 0.00009; ExAC 0.00014; TOPMed 0.00015; ESP Exome Variant Server 0.00023.
gnomAD v4.1: 87 of 1,612,642 alleles (0.0054%); highest among the groups gnomAD compares: Middle Eastern, 0.066%; no homozygotes.

Submissions (2):

Labcorp Genetics (formerly Invitae), Labcorp
Classification: Uncertain significance. Last evaluated: 2026-01-05. Review status: criteria provided, single submitter. Criteria: Invitae Variant Classification Sherloc (09022015). Collection method: clinical testing. Allele origin: germline.
Comment: This sequence change affects codon 110 of the ADAMTS13 mRNA. It is a 'silent' change, meaning that it does not change the encoded amino acid sequence of the ADAMTS13 protein. It affects a nucleotide within the consensus splice site. This variant is present in population databases (rs142107133, gnomAD 0.03%). This variant has not been reported in the literature in individuals affected with ADAMTS13-related conditions. ClinVar contains an entry for this variant (Variation ID: 1468608). Algorithms developed to predict the effect of sequence changes on RNA splicing suggest that this variant is not likely to affect RNA splicing. In summary, the available evidence is currently insufficient to determine the role of this variant in disease. Therefore, it has been classified as a Variant of Uncertain Significance.

Blueprint Genetics
Classification: Likely benign. Last evaluated: 2024-07-08. Review status: criteria provided, single submitter. Criteria: ACMG Guidelines, 2015. Collection method: clinical testing. Allele origin: germline.